The following is an entry in ClinVar:

ClinVar aggregate classification (germline): Uncertain significance. Review status: criteria provided, multiple submitters, no conflicts (2 of 4 stars). 2 submissions from 2 submitters: Uncertain significance (2). Last evaluated 2026-01-19.

Conditions:
MCM4-related disorder. Also called: MCM4-related condition.

Allele frequency attached by ClinVar (database versions not stated): ExAC 0.00001; gnomAD exomes 0.00001; gnomAD 0.00002; TOPMed 0.00002.
gnomAD v4.1: 16 of 1,612,372 alleles (0.00099%); highest among the groups gnomAD compares: Middle Eastern, 0.083%; no homozygotes.

Submissions (2):

Labcorp Genetics (formerly Invitae), Labcorp
Classification: Uncertain significance. Last evaluated: 2026-01-19. Review status: criteria provided, single submitter. Criteria: Invitae Variant Classification Sherloc (09022015). Collection method: clinical testing. Allele origin: germline.
Comment: This sequence change replaces arginine, which is basic and polar, with cysteine, which is neutral and slightly polar, at codon 343 of the MCM4 protein (p.Arg343Cys). This variant is present in population databases (rs768182076, gnomAD 0.006%). This variant has not been reported in the literature in individuals affected with MCM4-related conditions. ClinVar contains an entry for this variant (Variation ID: 1924731). Invitae Evidence Modeling of protein sequence and biophysical properties (such as structural, functional, and spatial information, amino acid conservation, physicochemical variation, residue mobility, and thermodynamic stability) indicates that this missense variant is expected to disrupt MCM4 protein function with a positive predictive value of 80%. In summary, the available evidence is currently insufficient to determine the role of this variant in disease. Therefore, it has been classified as a Variant of Uncertain Significance.

PreventionGenetics, part of Exact Sciences
Classification: Uncertain significance for MCM4-related condition. Last evaluated: 2022-11-14. Review status: criteria provided, single submitter. Criteria: ACMG Guidelines, 2015. Collection method: clinical testing. Allele origin: germline.
Comment: The MCM4 c.1027C>T variant is predicted to result in the amino acid substitution p.Arg343Cys. To our knowledge, this variant has not been reported in the literature. This variant is reported in 0.0057% of alleles in individuals of Latino descent in gnomAD. At this time, the clinical significance of this variant is uncertain due to the absence of conclusive functional and genetic evidence.

NM_182746.3(MCM4):c.1027C>T (p.Arg343Cys)

Gene: MCM4 (minichromosome maintenance complex component 4; plus strand). Cytogenetic location: 8q11.21.
Variant type: single nucleotide variant.
Coding change: c.1027C>T on transcript NM_182746.3 (MANE Select); coding-DNA position 1027, C replaced by T.
Protein change: p.Arg343Cys; replaces arginine 343 with cysteine.
Molecular consequence: missense variant.
Genome position (GRCh38, 1-based): chr8:47,966,381, C>T. VCF-style: chr8-47966381-C-T. GRCh37 (hg19) VCF-style: chr8-48878941-C-T.
Other names: c.1027C>T, p.Arg343Cys (NM_005914.4); c.1027C>T (NM_005914.3); short protein forms R343C.
Identifiers: ClinVar variation 1924731 (VCV001924731.6), dbSNP rs768182076, ClinGen allele CA4742489.
Genomic context (GRCh38, chr8:47,966,381, plus strand): 5'-GCAGAGCCCAGTGTGTGCGGGCGCTGCCACACCACCCACAGCATGGCACTCATCCACAAC[C>T]GCTCCCTCTTCTCTGACAAGCAGATGGTGCGCAGCCACCCTGGCCCCCCAGGCTATGCTT-3'
Protein context (NP_877423.1, residues 333-353): TTHSMALIHN[Arg343Cys]SLFSDKQMIK